The following is an entry in ClinVar:

ClinVar aggregate classification (germline): Uncertain significance (1 of 4 stars; one submission).

Submission:

Labcorp Genetics (formerly Invitae), Labcorp
Classification: Uncertain significance. Last evaluated: 2025-03-10. Review status: criteria provided, single submitter. Criteria: Invitae Variant Classification Sherloc (09022015). Collection method: clinical testing. Allele origin: germline.
Comment: This sequence change replaces isoleucine, which is neutral and non-polar, with threonine, which is neutral and polar, at codon 114 of the DSG1 protein (p.Ile114Thr). This variant is not present in population databases (gnomAD no frequency). This variant has not been reported in the literature in individuals affected with DSG1-related conditions. Invitae Evidence Modeling of protein sequence and biophysical properties (such as structural, functional, and spatial information, amino acid conservation, physicochemical variation, residue mobility, and thermodynamic stability) indicates that this missense variant is not expected to disrupt DSG1 protein function with a negative predictive value of 80%. In summary, the available evidence is currently insufficient to determine the role of this variant in disease. Therefore, it has been classified as a Variant of Uncertain Significance.

NM_001942.4(DSG1):c.341T>C (p.Ile114Thr)

Gene: DSG1 (desmoglein 1; plus strand). Cytogenetic location: 18q12.1.
Variant type: single nucleotide variant.
Coding change: c.341T>C on transcript NM_001942.4 (MANE Select); coding-DNA position 341, T replaced by C.
Protein change: p.Ile114Thr; replaces isoleucine 114 with threonine.
Molecular consequence: missense variant.
Genome position (GRCh38, 1-based): chr18:31,328,313, T>C. VCF-style: chr18-31328313-T-C. GRCh37 (hg19) VCF-style: chr18-28908276-T-C.
Other names: short protein forms I114T.
Identifiers: ClinVar variation 4779506 (VCV004779506.1).